The following is an entry in ClinVar:

ClinVar aggregate classification (germline): Conflicting classifications of pathogenicity. Review status: criteria provided, conflicting classifications (1 of 4 stars). 6 submissions from 5 submitters: Uncertain significance (2); Benign (1); Likely benign (3). Last evaluated 2024-10-25.

Conditions:
Birt-Hogg-Dube syndrome 1 (BHD1). Also called: FIBROFOLLICULOMAS WITH TRICHODISCOMAS AND ACROCHORDONS. Identifiers: Orphanet 122, MedGen CN375946, MONDO:0800445, OMIM 135150.
Hereditary cancer-predisposing syndrome. Also called: Neoplastic Syndromes, Hereditary; Tumor predisposition; Hereditary Cancer Syndrome; Hereditary neoplastic syndrome. Identifiers: Orphanet 140162, MedGen C0027672, MeSH D009386, MONDO:0015356.
Birt-Hogg-Dube syndrome. Also called: Birt Hogg Dubé syndrome. Identifiers: Orphanet 122, MedGen C0346010, MONDO:0800444.
Familial spontaneous pneumothorax (PSP). Identifiers: Orphanet 2903, MedGen C1868193, MONDO:0008259, OMIM 173600.

Submissions (6):

Myriad Genetics, Inc.
Classification: Benign for Birt-Hogg-Dube syndrome 1. Last evaluated: 2024-10-25. Review status: criteria provided, single submitter. Criteria: Myriad Autosomal Dominant, Autosomal Recessive and X-Linked Classification Criteria (2023). Collection method: clinical testing. Allele origin: unknown.
Comment: This variant is considered benign. This variant is a silent/synonymous amino acid change and it is not expected to impact splicing.

Labcorp Genetics (formerly Invitae), Labcorp
Classification: Likely benign for Birt-Hogg-Dube syndrome. Last evaluated: 2024-03-28. Review status: criteria provided, single submitter. Criteria: Invitae Variant Classification Sherloc (09022015). Collection method: clinical testing. Allele origin: germline.

Blueprint Genetics
Classification: Likely benign. Last evaluated: 2022-03-21. Review status: criteria provided, single submitter. Criteria: ACMG Guidelines, 2015. Collection method: clinical testing. Allele origin: germline.

Ambry Genetics
Classification: Likely benign for Hereditary cancer-predisposing syndrome. Last evaluated: 2019-09-30. Review status: criteria provided, single submitter. Criteria: Ambry Variant Classification Scheme 2023. Collection method: clinical testing. Allele origin: germline.

Illumina Laboratory Services, Illumina
Classification: Uncertain significance for Familial spontaneous pneumothorax. Last evaluated: 2018-01-13. Review status: criteria provided, single submitter. Criteria: ICSL Variant Classification Criteria 13 December 2019. Collection method: clinical testing. Allele origin: germline.

Illumina Laboratory Services, Illumina
Classification: Uncertain significance for Birt-Hogg-Dube syndrome 1. Last evaluated: 2018-01-13. Review status: criteria provided, single submitter. Criteria: ICSL Variant Classification Criteria 13 December 2019. Collection method: clinical testing. Allele origin: germline.

NM_144997.7(FLCN):c.1482C>T (p.Asn494=)

Gene: FLCN (folliculin; minus strand). Cytogenetic location: 17p11.2.
Variant type: single nucleotide variant.
Coding change: c.1482C>T on transcript NM_144997.7 (MANE Select); coding-DNA position 1482, C replaced by T.
Protein change: p.Asn494=; no amino-acid change (asparagine 494 retained).
Molecular consequence: synonymous variant.
Genome position (GRCh38, 1-based): chr17:17,215,041, G>A on the plus strand (C>T on the coding strand, the complement: FLCN is on the minus strand). VCF-style: chr17-17215041-G-A. GRCh37 (hg19) VCF-style: chr17-17118355-G-A.
Other names: c.1536C>T, p.Asn512= (NM_001353229.2); c.1482C>T, p.Asn494= (NM_001353230.2, NM_001353231.2).
Identifiers: ClinVar variation 819339 (VCV000819339.13), dbSNP rs1597578831, ClinGen allele CA498421047.